The following is an entry in ClinVar:

ClinVar aggregate classification (germline): Uncertain significance (1 of 4 stars; one submission).

Conditions:
Ehlers-Danlos syndrome, classic type, 1 (EDSCL1). Also called: Ehlers-Danlos syndrome, type 1; Ehlers-Danlos Syndrome, Classic Type, COL5A1-Related; EDS I; EHLERS-DANLOS SYNDROME, GRAVIS TYPE; EHLERS-DANLOS SYNDROME, SEVERE CLASSIC TYPE. Identifiers: MedGen C0268335, MONDO:0019567, OMIM 130000.

Allele frequency attached by ClinVar (database versions not stated): ExAC 0.00001.
gnomAD v4.1: 4 of 1,613,992 alleles (0.00025%); highest among the groups gnomAD compares: Non-Finnish European, 0.00034%; no homozygotes.

Submission:

Victorian Clinical Genetics Services, Murdoch Childrens Research Institute
Classification: Uncertain significance for Ehlers-Danlos syndrome, classic type, 1. Last evaluated: 2021-05-06. Review status: criteria provided, single submitter. Criteria: ACMG Guidelines, 2015. Collection method: clinical testing. Allele origin: germline. Inheritance: Autosomal dominant inheritance. Affected: yes.
Comment: Based on the classification scheme VCGS_Germline_v1.3.4, this variant is classified as VUS-3B. Following criteria are met: 0102 - Loss of function is a known mechanism of disease in this gene and is associated with classic type Ehlers-Danlos syndrome 1 (MIM#130000). Dominant negative is a suggested mechanism of diease (PMID: 32720758). (I) 0107 - This gene is associated with autosomal dominant disease. (I) 0200 - Variant is predicted to result in a missense amino acid change from glycine to serine. (I) 0251 - This variant is heterozygous. (I) 0302 - Variant is present in gnomAD (v2) <0.001 for a dominant condition (1 heterozygote, 0 homozygotes). (SP) 0501 - Missense variant consistently predicted to be damaging by multiple in silico tools or highly conserved with a major amino acid change. (SP) 0600 - Variant is located in the annotated TSPN domain (NCBI). (I) 0705 - No comparable missense variants have previous evidence for pathogenicity. (I) 0807 - This variant has no previous evidence of pathogenicity. (I) 0905 - No published segregation evidence has been identified for this variant. (I) 1007 - No published functional evidence has been identified for this variant. (I) 1208 - Inheritance information for this variant is not currently available in this individual. (I) Legend: (SP) - Supporting pathogenic, (I) - Information, (SB) - Supporting benign

Literature cited by the submitters: PubMed 32720758.

NM_000093.5(COL5A1):c.622G>A (p.Gly208Ser)

Gene: COL5A1 (collagen type V alpha 1 chain; plus strand). Cytogenetic location: 9q34.3.
Variant type: single nucleotide variant.
Coding change: c.622G>A on transcript NM_000093.5 (MANE Select); coding-DNA position 622, G replaced by A.
Protein change: p.Gly208Ser; replaces glycine 208 with serine.
Molecular consequence: missense variant.
Genome position (GRCh38, 1-based): chr9:134,701,301, G>A. VCF-style: chr9-134701301-G-A. GRCh37 (hg19) VCF-style: chr9-137593147-G-A.
Other names: c.622G>A, p.Gly208Ser (NM_001278074.1); short protein forms G208S.
Identifiers: ClinVar variation 1806173 (VCV001806173.1), dbSNP rs759624894, ClinGen allele CA5318367.